The following is an entry in ClinVar:

NM_022089.4(ATP13A2):c.1227C>G (p.Ser409Arg)

Gene: ATP13A2 (ATPase cation transporting 13A2; minus strand). Cytogenetic location: 1p36.13.
Variant type: single nucleotide variant.
Coding change: c.1227C>G on transcript NM_022089.4 (MANE Select); coding-DNA position 1227, C replaced by G.
Protein change: p.Ser409Arg; replaces serine 409 with arginine.
Molecular consequence: missense variant.
Genome position (GRCh38, 1-based): chr1:16,996,465, G>C on the plus strand (C>G on the coding strand, the complement: ATP13A2 is on the minus strand). VCF-style: chr1-16996465-G-C. GRCh37 (hg19) VCF-style: chr1-17322960-G-C.
Other names: c.1212C>G, p.Ser404Arg (NM_001141973.3, NM_001141974.3); short protein forms S404R, S409R.
Identifiers: ClinVar variation 2075463 (VCV002075463.4), dbSNP rs2077128957, ClinGen allele CA338254785.

ClinVar aggregate classification (germline): Uncertain significance (1 of 4 stars; one submission).

Conditions:
Autosomal recessive spastic paraplegia type 78. Identifiers: Orphanet 513436, MedGen C5567893, MONDO:0014975, OMIM 617225.
Kufor-Rakeb syndrome (KRS). Also called: PARKINSON DISEASE 9, AUTOSOMAL RECESSIVE, JUVENILE-ONSET. Identifiers: Orphanet 306674, Orphanet 314632, MedGen C1847640, MONDO:0011706, OMIM 606693.

Submission:

Labcorp Genetics (formerly Invitae), Labcorp
Classification: Uncertain significance for Kufor-Rakeb syndrome; Autosomal recessive spastic paraplegia type 78. Last evaluated: 2024-01-22. Review status: criteria provided, single submitter. Criteria: Invitae Variant Classification Sherloc (09022015). Collection method: clinical testing. Allele origin: germline.
Comment: This sequence change replaces serine, which is neutral and polar, with arginine, which is basic and polar, at codon 409 of the ATP13A2 protein (p.Ser409Arg). This variant is not present in population databases (gnomAD no frequency). This variant has not been reported in the literature in individuals affected with ATP13A2-related conditions. ClinVar contains an entry for this variant (Variation ID: 2075463). Advanced modeling of protein sequence and biophysical properties (such as structural, functional, and spatial information, amino acid conservation, physicochemical variation, residue mobility, and thermodynamic stability) performed at Invitae indicates that this missense variant is not expected to disrupt ATP13A2 protein function with a negative predictive value of 80%. In summary, the available evidence is currently insufficient to determine the role of this variant in disease. Therefore, it has been classified as a Variant of Uncertain Significance.